The following is an entry in ClinVar:

NM_001184.4(ATR):c.1223T>G (p.Ile408Ser)

Gene: ATR (ATR checkpoint kinase; minus strand). Cytogenetic location: 3q23.
Variant type: single nucleotide variant.
Coding change: c.1223T>G on transcript NM_001184.4 (MANE Select); coding-DNA position 1223, T replaced by G.
Protein change: p.Ile408Ser; replaces isoleucine 408 with serine.
Molecular consequence: missense variant.
Genome position (GRCh38, 1-based): chr3:142,561,369, A>C on the plus strand (T>G on the coding strand, the complement: ATR is on the minus strand). VCF-style: chr3-142561369-A-C. GRCh37 (hg19) VCF-style: chr3-142280211-A-C.
Other names: c.1223T>G, p.Ile408Ser (NM_001354579.2); short protein forms I408S.
Identifiers: ClinVar variation 1052508 (VCV001052508.11), dbSNP rs370058763, ClinGen allele CA84754818.

ClinVar aggregate classification (germline): Uncertain significance. Review status: criteria provided, multiple submitters, no conflicts (2 of 4 stars). 4 submissions from 3 submitters: Uncertain significance (4). Last evaluated 2023-02-08.

Conditions:
Seckel syndrome 1 (SCKL1). Also called: MICROCEPHALIC PRIMORDIAL DWARFISM I. Identifiers: Orphanet 808, MedGen C4551474, MONDO:0008869, OMIM 210600.
Familial cutaneous telangiectasia and oropharyngeal predisposition cancer syndrome. Identifiers: Orphanet 313846, MedGen C3281203, MONDO:0013806, OMIM 614564.
Inborn genetic diseases. Identifiers: MedGen C0950123, MeSH D030342.

Allele frequency attached by ClinVar (database versions not stated): gnomAD 0.00002; TOPMed 0.00002; ESP Exome Variant Server 0.00008.
gnomAD v4.1: 3 of 1,613,994 alleles (0.00019%); highest among the groups gnomAD compares: African/African-American, 0.004%; no homozygotes.

Submissions (4):

Genome-Nilou Lab
Classification: Uncertain significance for Seckel syndrome 1. Last evaluated: 2023-02-08. Review status: criteria provided, single submitter. Criteria: ACMG Guidelines, 2015. Collection method: clinical testing. Allele origin: germline.

Genome-Nilou Lab
Classification: Uncertain significance for Familial cutaneous telangiectasia and oropharyngeal predisposition cancer syndrome. Last evaluated: 2023-02-08. Review status: criteria provided, single submitter. Criteria: ACMG Guidelines, 2015. Collection method: clinical testing. Allele origin: germline.

Ambry Genetics
Classification: Uncertain significance for Inborn genetic diseases. Last evaluated: 2022-08-05. Review status: criteria provided, single submitter. Criteria: Ambry Variant Classification Scheme 2023. Collection method: clinical testing. Allele origin: germline.
Comment: The p.I408S variant (also known as c.1223T>G), located in coding exon 5 of the ATR gene, results from a T to G substitution at nucleotide position 1223. The isoleucine at codon 408 is replaced by serine, an amino acid with dissimilar properties. This amino acid position is conserved. In addition, this alteration is predicted to be tolerated by in silico analysis. Since supporting evidence is limited at this time, the clinical significance of this alteration remains unclear.

Labcorp Genetics (formerly Invitae), Labcorp
Classification: Uncertain significance. Last evaluated: 2020-02-17. Review status: criteria provided, single submitter. Criteria: Invitae Variant Classification Sherloc (09022015). Collection method: clinical testing. Allele origin: germline.
Comment: This sequence change replaces isoleucine with serine at codon 408 of the ATR protein (p.Ile408Ser). The isoleucine residue is weakly conserved and there is a large physicochemical difference between isoleucine and serine. This variant is not present in population databases (ExAC no frequency). This variant has not been reported in the literature in individuals with ATR-related conditions. Algorithms developed to predict the effect of missense changes on protein structure and function (SIFT, PolyPhen-2, Align-GVGD) all suggest that this variant is likely to be tolerated, but these predictions have not been confirmed by published functional studies and their clinical significance is uncertain. Algorithms developed to predict the effect of sequence changes on RNA splicing suggest that this variant may create or strengthen a splice site, but this prediction has not been confirmed by published transcriptional studies. In summary, the available evidence is currently insufficient to determine the role of this variant in disease. Therefore, it has been classified as a Variant of Uncertain Significance.